The following is an entry in ClinVar:

ClinVar aggregate classification (germline): Uncertain significance (1 of 4 stars; one submission).

Submission:

GeneDx
Classification: Uncertain significance. Last evaluated: 2026-03-04. Review status: criteria provided, single submitter. Criteria: GeneDx Variant Classification Process June 2021. Collection method: clinical testing. Allele origin: germline.
Comment: Not observed at significant frequency in large population cohorts (gnomAD); Frameshift variant predicted to result in protein truncation or nonsense mediated decay in a gene or region of a gene for which loss of function is not a well-established mechanism of disease; Has not been previously published as pathogenic or benign to our knowledge

NM_005754.3(G3BP1):c.223_224delinsT (p.Thr75fs)

Gene: G3BP1 (G3BP stress granule assembly factor 1; plus strand). Cytogenetic location: 5q33.1.
Variant type: Indel.
Coding change: c.223_224delinsT on transcript NM_005754.3 (MANE Select); coding-DNA positions 223 to 224, AC replaced by T.
Protein change: p.Thr75fs; shifts the reading frame from threonine 75.
Molecular consequence: frameshift variant.
Genome position (GRCh38, 1-based): chr5:151,790,934-151,790,935, AC replaced by T. VCF-style: chr5-151790934-AC-T. GRCh37 (hg19) VCF-style: chr5-151170495-AC-T.
Other names: c.223_224delinsT, p.Thr75fs (NM_198395.2); short protein forms T75fs.
Identifiers: ClinVar variation 5008319 (VCV005008319.1).